The following is an entry in ClinVar:

NM_017617.5(NOTCH1):c.7229C>T (p.Pro2410Leu)

Gene: NOTCH1 (notch receptor 1; minus strand). Cytogenetic location: 9q34.3.
Variant type: single nucleotide variant.
Coding change: c.7229C>T on transcript NM_017617.5 (MANE Select); coding-DNA position 7229, C replaced by T.
Protein change: p.Pro2410Leu; replaces proline 2410 with leucine.
Molecular consequence: missense variant.
Genome position (GRCh38, 1-based): chr9:136,496,510, G>A on the plus strand (C>T on the coding strand, the complement: NOTCH1 is on the minus strand). VCF-style: chr9-136496510-G-A. GRCh37 (hg19) VCF-style: chr9-139390962-G-A.
Other names: c.7229C>T, p.Pro2410Leu (LRG_1122t1); short protein forms P2410L.
Identifiers: ClinVar variation 547717 (VCV000547717.13), dbSNP rs560981171, ClinGen allele CA5339728.
Genomic context (GRCh38, chr9:136,496,510, plus strand): 5'-CCCAGGTGGCCGCTGGCTGCTGAGCTCACGCCAAGGTGCGGCTGTGGTGGTGGTGGTGGC[G>A]GCTGCAGGCTTTGCTGCTGCTGGATGTTTGCTGGCTGCAGGTTCTGCTGCTGCATCTGTA-3'
Protein context (NP_060087.3, residues 2400-2420): ANIQQQQSLQ[Pro2410Leu]PPPPPQPHLG

ClinVar aggregate classification (germline): Conflicting classifications of pathogenicity. Review status: criteria provided, conflicting classifications (1 of 4 stars). 4 submissions from 4 submitters: Uncertain significance (1); Benign (1); Likely benign (2). Last evaluated 2025-05-13.

Conditions:
Adams-Oliver syndrome 5 (AOS5). Identifiers: Orphanet 974, MedGen C4014970, MONDO:0014459, OMIM 616028.
Familial thoracic aortic aneurysm and aortic dissection (TAAD). Also called: Thoracic aortic aneurysms and dissections. Identifiers: Orphanet 91387, MedGen C4707243, MONDO:0019625.
Connective tissue disorder. Also called: Connective tissue disease. Identifiers: MedGen C0009782, MONDO:0003900.

Allele frequency attached by ClinVar (database versions not stated): gnomAD exomes 0.00001; ExAC 0.00002; gnomAD 0.00005; TOPMed 0.00008; 1000 Genomes Project 30x 0.00031; 1000 Genomes Project 0.00040.
gnomAD v4.1: 25 of 1,603,370 alleles (0.0016%); highest among the groups gnomAD compares: African/African-American, 0.0093%; no homozygotes.

Submissions (4):

Labcorp Genetics (formerly Invitae), Labcorp
Classification: Benign for Adams-Oliver syndrome 5. Last evaluated: 2025-05-13. Review status: criteria provided, single submitter. Criteria: Invitae Variant Classification Sherloc (09022015). Collection method: clinical testing. Allele origin: germline.

GeneDx
Classification: Likely benign. Last evaluated: 2024-04-11. Review status: criteria provided, single submitter. Criteria: GeneDx Variant Classification Process June 2021. Collection method: clinical testing. Allele origin: germline. Affected: yes.
Comment: See Variant Classification Assertion Criteria.

Ambry Genetics
Classification: Uncertain significance for Familial thoracic aortic aneurysm and aortic dissection. Last evaluated: 2024-01-29. Review status: criteria provided, single submitter. Criteria: Ambry Variant Classification Scheme 2023. Collection method: clinical testing. Allele origin: germline.
Comment: The p.P2410L variant (also known as c.7229C>T), located in coding exon 34 of the NOTCH1 gene, results from a C to T substitution at nucleotide position 7229. The proline at codon 2410 is replaced by leucine, an amino acid with similar properties. This amino acid position is conserved. In addition, this alteration is predicted to be tolerated by in silico analysis. Since supporting evidence is limited at this time, the clinical significance of this alteration remains unclear.

Center for Human Genetics, Inc
Classification: Likely benign for Connective tissue disorder. Last evaluated: 2016-11-01. Review status: criteria provided, single submitter. Criteria: ACMG Guidelines, 2015. Collection method: clinical testing. Allele origin: germline. Affected: yes.